The following is an entry in ClinVar:

ClinVar aggregate classification (germline): Uncertain significance. Review status: criteria provided, multiple submitters, no conflicts (2 of 4 stars). 4 submissions from 4 submitters: Uncertain significance (4). Last evaluated 2025-12-10.

Conditions:
Paragangliomas with sensorineural hearing loss. Identifiers: MedGen C1868633.
Carney-Stratakis syndrome. Also called: PARAGANGLIOMA AND GASTROINTESTINAL STROMAL TUMOR. Identifiers: Orphanet 97286, MedGen C1847319, MONDO:0011740, OMIM 606864.
Cowden syndrome 3 (CWS3). Identifiers: Orphanet 201, MedGen CN166604, MONDO:0014045.
Pheochromocytoma. Also called: MAX-Related Hereditary Paraganglioma-Pheochromocytoma Syndrome. Identifiers: Orphanet 29072, MedGen C0031511, MONDO:0008233, OMIM 171300, HP:0002666.
Pheochromocytoma/paraganglioma syndrome 1. Also called: PARAGANGLIOMATA; Paragangliomas 1; Glomus tumors familial 1; Paraganglioma - glomus jugulare; PARAGANGLIOMAS, FAMILIAL NONCHROMAFFIN, 1; PGL 1. Identifiers: Orphanet 29072, MedGen C3494181, MONDO:0008192, OMIM 168000.
Mitochondrial complex 2 deficiency, nuclear type 3. Also called: MITOCHONDRIAL COMPLEX II DEFICIENCY, NUCLEAR TYPE 3. Identifiers: MedGen C5436934, MONDO:0030937, OMIM 619167.
Hereditary cancer-predisposing syndrome. Also called: Tumor predisposition; Hereditary Cancer Syndrome; Hereditary neoplastic syndrome; Neoplastic Syndromes, Hereditary. Identifiers: Orphanet 140162, MedGen C0027672, MeSH D009386, MONDO:0015356.

Allele frequency attached by ClinVar (database versions not stated): ExAC 0.00001; gnomAD exomes 0.00001.
gnomAD v4.1: 2 of 1,611,994 alleles (0.00012%); highest among the groups gnomAD compares: Middle Eastern, 0.023%; no homozygotes.

Submissions (4):

Labcorp Genetics (formerly Invitae), Labcorp
Classification: Uncertain significance for Carney-Stratakis syndrome; Paragangliomas with sensorineural hearing loss; Pheochromocytoma; Cowden syndrome 3. Last evaluated: 2025-12-10. Review status: criteria provided, single submitter. Criteria: Invitae Variant Classification Sherloc (09022015). Collection method: clinical testing. Allele origin: germline.
Comment: This sequence change replaces alanine, which is neutral and non-polar, with valine, which is neutral and non-polar, at codon 119 of the SDHD protein (p.Ala119Val). This variant is present in population databases (rs758784300, gnomAD 0.006%). This variant has not been reported in the literature in individuals affected with SDHD-related conditions. ClinVar contains an entry for this variant (Variation ID: 234019). Invitae Evidence Modeling of protein sequence and biophysical properties (such as structural, functional, and spatial information, amino acid conservation, physicochemical variation, residue mobility, and thermodynamic stability) indicates that this missense variant is not expected to disrupt SDHD protein function with a negative predictive value of 95%. In summary, the available evidence is currently insufficient to determine the role of this variant in disease. Therefore, it has been classified as a Variant of Uncertain Significance.

Fulgent Genetics
Classification: Uncertain significance for Pheochromocytoma/paraganglioma syndrome 1; Carney-Stratakis syndrome; Mitochondrial complex 2 deficiency, nuclear type 3. Last evaluated: 2024-05-07. Review status: criteria provided, single submitter. Criteria: ACMG Guidelines, 2015. Collection method: clinical testing. Allele origin: germline.

Baylor Genetics
Classification: Uncertain significance for Mitochondrial complex 2 deficiency, nuclear type 3. Last evaluated: 2023-10-09. Review status: criteria provided, single submitter. Criteria: ACMG Guidelines, 2015. Collection method: clinical testing. Allele origin: unknown.

Ambry Genetics
Classification: Uncertain significance for Hereditary cancer-predisposing syndrome. Last evaluated: 2022-12-21. Review status: criteria provided, single submitter. Criteria: Ambry Variant Classification Scheme 2023. Collection method: clinical testing. Allele origin: germline.
Comment: The p.A119V variant (also known as c.356C>T), located in coding exon 4 of the SDHD gene, results from a C to T substitution at nucleotide position 356. The alanine at codon 119 is replaced by valine, an amino acid with similar properties. This amino acid position is not well conserved in available vertebrate species. In addition, the in silico prediction for this alteration is inconclusive. Since supporting evidence is limited at this time, the clinical significance of this alteration remains unclear.

NM_003002.4(SDHD):c.356C>T (p.Ala119Val)

Gene: SDHD (succinate dehydrogenase complex subunit D; plus strand). Cytogenetic location: 11q23.1.
Variant type: single nucleotide variant.
Coding change: c.356C>T on transcript NM_003002.4 (MANE Select); coding-DNA position 356, C replaced by T.
Protein change: p.Ala119Val; replaces alanine 119 with valine.
Molecular consequence: missense variant. On other transcripts: 3 prime UTR variant (1), non-coding transcript variant (1).
Genome position (GRCh38, 1-based): chr11:112,094,846, C>T. VCF-style: chr11-112094846-C-T. GRCh37 (hg19) VCF-style: chr11-111965570-C-T.
Other names: c.211C>T, p.Pro71Ser (NM_001276503.2); c.239C>T, p.Ala80Val (NM_001276504.2); c.*54C>T (NM_001276506.2); short protein forms A119V, A80V, P71S.
Identifiers: ClinVar variation 234019 (VCV000234019.14), dbSNP rs758784300, ClinGen allele CA071275.
Genomic context (GRCh38, chr11:112,094,846, plus strand): 5'-ATTTTTTCTTTTTCTTTAGGGGCCTTGGACAAGTTGTTACTGACTATGTTCATGGGGATG[C>T]CTTGCAGAAAGCTGCCAAGGCAGGGCTTTTGGCACTTTCAGCTTTAACCTTTGCTGGGCT-3'
Protein context (NP_002993.1, residues 109-129): QVVTDYVHGD[Ala119Val]LQKAAKAGLL